The following is an entry in ClinVar:

NM_001374385.1(ATP8B1):c.3069_3070del (p.Asp1025fs)

Genes: ATP8B1 (ATPase phospholipid transporting 8B1; minus strand), ATP8B1-AS1 (ATP8B1 antisense RNA 1; plus strand). Cytogenetic location: 18q21.31.
Variant type: Deletion.
Coding change: c.3069_3070del on transcript NM_001374385.1 (MANE Select); coding-DNA positions 3069 to 3070, 2 bases deleted (AA; older notation c.3069_3070delAA).
Protein change: p.Asp1025fs; shifts the reading frame from aspartic acid 1025.
Molecular consequence: frameshift variant.
Genome position (GRCh38, 1-based): chr18:57,652,675-57,652,676, TT deleted on the plus strand (AA on the coding strand, the reverse complement: ATP8B1 is on the minus strand); deleting any 2 consecutive bases within chr18:57,652,675-57,652,677 gives the same sequence; the c. name uses the placement nearest the transcript's 3' end. VCF-style (leftmost placement, unchanged base first): chr18-57652674-CTT-C. GRCh37 (hg19) VCF-style: chr18-55319906-CTT-C.
Other names: c.2919_2920del, p.Asp975fs (NM_001374386.1); c.3069_3070del, p.Asp1025fs (NM_005603.6); short protein forms D975fs, D1025fs.
Identifiers: ClinVar variation 2736742 (VCV002736742.4), dbSNP rs750061899, ClinGen allele CA8974082.
Genomic context (GRCh38, chr18:57,652,674, plus strand): 5'-GATGTTAGGACCCCATGCAACAAGCTTACAAAGAATCTCTTATAGTTGAATAGTAAGTCT[CTT>C]TGTCCCACTATGTATAACCCAGGGAATCGGAGGCTCAGTTTGTCACTCACATCCTTAAGG-3'

ClinVar aggregate classification (germline): Pathogenic. Review status: criteria provided, multiple submitters, no conflicts (2 of 4 stars). 2 submissions from 2 submitters: Pathogenic (2). Last evaluated 2026-04-14.

Conditions:
Familial intrahepatic cholestasis. Identifiers: Orphanet 284385, MedGen CN296401, MONDO:0017290.

Submissions (2):

Genomenon, Inc
Classification: Pathogenic for Familial intrahepatic cholestasis. Last evaluated: 2026-04-14. Review status: criteria provided, single submitter. Criteria: Genomenon Sequence Variant Interpretation Standards - Updated. Collection method: curation. Allele origin: germline. Affected: yes.
Comment: ATP8B1 p.Asp1025LeufsTer6 (c.3069_3070del) is a frameshift variant that results in the production of a truncated protein which is predicted to undergo nonsense-mediated mRNA decay. This variant has been observed in at least one proband with features of ATP8B1-deficiency (PMID:15239083;26678486). It is absent or not present at a significant frequency in gnomAD. In conclusion, we classify ATP8B1 p.Asp1025LeufsTer6 (c.3069_3070del) as a pathogenic variant.

Labcorp Genetics (formerly Invitae), Labcorp
Classification: Pathogenic. Last evaluated: 2023-03-11. Review status: criteria provided, single submitter. Criteria: Invitae Variant Classification Sherloc (09022015). Collection method: clinical testing. Allele origin: germline.
Comment: For these reasons, this variant has been classified as Pathogenic. This variant is also known as c.3069_3070delAA (p.Q1023fs). This premature translational stop signal has been observed in individual(s) with familial intrahepatic cholestasis (PMID: 15239083, 26678486). This variant is present in population databases (rs750061899, gnomAD 0.003%). This sequence change creates a premature translational stop signal (p.Asp1025Leufs*6) in the ATP8B1 gene. It is expected to result in an absent or disrupted protein product. Loss-of-function variants in ATP8B1 are known to be pathogenic (PMID: 15239083, 22525741).

Literature cited by the submitters: PubMed 15239083 (cited by Genomenon, Inc and Labcorp Genetics (formerly Invitae), Labcorp); PubMed 26678486 (cited by Genomenon, Inc and Labcorp Genetics (formerly Invitae), Labcorp); PubMed 22525741 (cited by Labcorp Genetics (formerly Invitae), Labcorp).